The following is an entry in ClinVar:

ClinVar aggregate classification (germline): Pathogenic (1 of 4 stars; one submission).

Conditions:
Charcot-Marie-Tooth disease type 4. Also called: Charcot-Marie-Tooth disease, type IV; Charcot-Marie-Tooth, Type 4. Identifiers: Orphanet 64749, MedGen C4082197, MONDO:0018995.

Submission:

Labcorp Genetics (formerly Invitae), Labcorp
Classification: Pathogenic for Charcot-Marie-Tooth disease type 4. Last evaluated: 2019-10-24. Review status: criteria provided, single submitter. Criteria: Invitae Variant Classification Sherloc (09022015). Collection method: clinical testing. Allele origin: germline.
Comment: A gross deletion of the genomic region encompassing the full coding sequence of the FGD4 gene has been identified. The boundaries of this event are unknown as the deletion extends beyond the assayed region for this gene and therefore may encompass additional genes. This variant has been observed in combination with another FGD4 variant in an individual affected with Charcot-Marie-Tooth disease (PMID: 28902413). Loss-of-function variants in FGD4 are known to be pathogenic (PMID: 17564972). For these reasons, this variant has been classified as Pathogenic.

Literature cited by the submitters: PubMed 28902413.

NC_000012.12:g.(?_32576256)_(32640543_?)del

Gene: FGD4 (FYVE, RhoGEF and PH domain containing 4; plus strand). Cytogenetic location: 12p11.21.
Variant type: Deletion.
Identifiers: ClinVar variation 831946 (VCV000831946.1).